The following is an entry in ClinVar:

ClinVar aggregate classification (germline): Uncertain significance. Review status: criteria provided, multiple submitters, no conflicts (2 of 4 stars). 2 submissions from 2 submitters: Uncertain significance (2). Last evaluated 2026-06-03.

Conditions:
Inborn genetic diseases. Identifiers: MedGen C0950123, MeSH D030342.

Allele frequency attached by ClinVar (database versions not stated): TOPMed below 0.00001.

Submissions (2):

Ambry Genetics
Classification: Uncertain significance for Inborn genetic diseases. Last evaluated: 2026-06-03. Review status: criteria provided, single submitter. Criteria: Ambry Variant Classification Scheme 2023. Collection method: clinical testing. Allele origin: germline.

GeneDx
Classification: Uncertain significance. Last evaluated: 2024-12-10. Review status: criteria provided, single submitter. Criteria: GeneDx Variant Classification Process June 2021. Collection method: clinical testing. Allele origin: germline. Affected: yes.
Comment: Not observed at significant frequency in large population cohorts (gnomAD); In silico analysis indicates that this missense variant does not alter protein structure/function; Has not been previously published as pathogenic or benign to our knowledge

NM_001127222.2(CACNA1A):c.3075G>T (p.Arg1025Ser)

Gene: CACNA1A (calcium voltage-gated channel subunit alpha1 A; minus strand). Cytogenetic location: 19p13.13.
Variant type: single nucleotide variant.
Coding change: c.3075G>T on transcript NM_001127222.2 (MANE Select); coding-DNA position 3075, G replaced by T.
Protein change: p.Arg1025Ser; replaces arginine 1025 with serine.
Molecular consequence: missense variant.
Genome position (GRCh38, 1-based): chr19:13,298,558, C>A on the plus strand (G>T on the coding strand, the complement: CACNA1A is on the minus strand). VCF-style: chr19-13298558-C-A. GRCh37 (hg19) VCF-style: chr19-13409372-C-A.
Other names: c.3087G>T, p.Arg1029Ser (NM_000068.4, NM_023035.3); c.3078G>T, p.Arg1026Ser (NM_001127221.2, NM_001174080.2); short protein forms R1025S, R1026S, R1029S.
Identifiers: ClinVar variation 1311393 (VCV001311393.4), dbSNP rs1327191177, ClinGen allele CA404342123.